The following is an entry in ClinVar:

NM_000179.3(MSH6):c.1563A>G (p.Thr521=)

Gene: MSH6 (mutS homolog 6; plus strand). Cytogenetic location: 2p16.3.
Variant type: single nucleotide variant.
Coding change: c.1563A>G on transcript NM_000179.3 (MANE Select); coding-DNA position 1563, A replaced by G.
Protein change: p.Thr521=; no amino-acid change (threonine 521 retained).
Molecular consequence: synonymous variant.
Genome position (GRCh38, 1-based): chr2:47,799,546, A>G. VCF-style: chr2-47799546-A-G. GRCh37 (hg19) VCF-style: chr2-48026685-A-G.
Other names: c.1173A>G, p.Thr391= (NM_001281492.2); c.657A>G, p.Thr219= (NM_001281493.2, NM_001281494.2).
Identifiers: ClinVar variation 455146 (VCV000455146.14), dbSNP rs1553412952, ClinGen allele CA426121229.

ClinVar aggregate classification (germline): Benign/Likely benign. Review status: criteria provided, multiple submitters, no conflicts (2 of 4 stars). 4 submissions from 4 submitters: Benign (1); Likely benign (3). Last evaluated 2025-11-27.

Conditions:
Hereditary nonpolyposis colorectal neoplasms. Identifiers: MedGen C0009405, MeSH D003123.
Hereditary cancer-predisposing syndrome. Also called: Hereditary Cancer Syndrome; Hereditary neoplastic syndrome; Neoplastic Syndromes, Hereditary; Tumor predisposition. Identifiers: Orphanet 140162, MedGen C0027672, MeSH D009386, MONDO:0015356.
Lynch syndrome 5 (LYNCH5). Also called: Hereditary non-polyposis colorectal cancer, type 5; Colorectal cancer, hereditary nonpolyposis, type 5. Identifiers: Orphanet 144, MedGen C1833477, MONDO:0013710, OMIM 614350. Disease mechanism: loss of function.

Allele frequency attached by ClinVar (database versions not stated): gnomAD 0.00001; TOPMed 0.00001.
gnomAD v4.1: 1 of 1,614,092 alleles (0.000062%); highest among the groups gnomAD compares: African/African-American, 0.0013%; no homozygotes.

Submissions (4):

Labcorp Genetics (formerly Invitae), Labcorp
Classification: Likely benign for Hereditary nonpolyposis colorectal neoplasms. Last evaluated: 2025-11-27. Review status: criteria provided, single submitter. Criteria: Invitae Variant Classification Sherloc (09022015). Collection method: clinical testing. Allele origin: germline.

Myriad Genetics, Inc.
Classification: Benign for Lynch syndrome 5. Last evaluated: 2024-12-27. Review status: criteria provided, single submitter. Criteria: Myriad Autosomal Dominant, Autosomal Recessive and X-Linked Classification Criteria (2023). Collection method: clinical testing. Allele origin: unknown.
Comment: This variant is considered benign. This variant is a silent/synonymous amino acid change and it is not expected to impact splicing.

Color Diagnostics, LLC DBA Color Health
Classification: Likely benign for Hereditary cancer-predisposing syndrome. Last evaluated: 2021-12-06. Review status: criteria provided, single submitter. Criteria: ACMG Guidelines, 2015. Collection method: clinical testing. Allele origin: germline.

Ambry Genetics
Classification: Likely benign for Hereditary cancer-predisposing syndrome. Last evaluated: 2020-11-10. Review status: criteria provided, single submitter. Criteria: Ambry Variant Classification Scheme 2023. Collection method: clinical testing. Allele origin: germline.